The following is an entry in ClinVar:

NM_004523.4(KIF11):c.2938G>T (p.Glu980Ter)

Gene: KIF11 (kinesin family member 11; plus strand). Cytogenetic location: 10q23.33.
Variant type: single nucleotide variant.
Coding change: c.2938G>T on transcript NM_004523.4 (MANE Select); coding-DNA position 2938, G replaced by T.
Protein change: p.Glu980Ter; replaces glutamic acid 980 with a stop codon.
Molecular consequence: nonsense.
Genome position (GRCh38, 1-based): chr10:92,650,416, G>T. VCF-style: chr10-92650416-G-T. GRCh37 (hg19) VCF-style: chr10-94410173-G-T.
Other names: short protein forms E980*.
Identifiers: ClinVar variation 2760741 (VCV002760741.3), dbSNP rs2492544220, ClinGen allele CA377806273.
Genomic context (GRCh38, chr10:92,650,416, plus strand): 5'-TTTTAAGCCCTTGGACTTAGTCACTCATCCAGTTTCTTCTTTTAGGATGTGGATGTAGAA[G>T]AGGCAGTTCTGGGGCAGTATACTGAAGAACCTCTAAGTCAAGAGCCATCTGTAGATGCTG-3'

ClinVar aggregate classification (germline): Pathogenic (1 of 4 stars; one submission).

Submission:

Labcorp Genetics (formerly Invitae), Labcorp
Classification: Pathogenic. Last evaluated: 2023-06-16. Review status: criteria provided, single submitter. Criteria: Invitae Variant Classification Sherloc (09022015). Collection method: clinical testing. Allele origin: germline.
Comment: This sequence change creates a premature translational stop signal (p.Glu980*) in the KIF11 gene. It is expected to result in an absent or disrupted protein product. Loss-of-function variants in KIF11 are known to be pathogenic (PMID: 22284827, 24281367). This variant is not present in population databases (gnomAD no frequency). This variant has not been reported in the literature in individuals affected with KIF11-related conditions. For these reasons, this variant has been classified as Pathogenic.

Literature cited by the submitters: PubMed 22284827; PubMed 24281367.